The following is an entry in ClinVar:

NM_001851.6(COL9A1):c.2255C>A (p.Pro752His)

Gene: COL9A1 (collagen type IX alpha 1 chain; minus strand). Cytogenetic location: 6q13.
Variant type: single nucleotide variant.
Coding change: c.2255C>A on transcript NM_001851.6 (MANE Select); coding-DNA position 2255, C replaced by A.
Protein change: p.Pro752His; replaces proline 752 with histidine.
Molecular consequence: missense variant. On other transcripts: non-coding transcript variant (1), intron variant (1).
Genome position (GRCh38, 1-based): chr6:70,234,798, G>T on the plus strand (C>A on the coding strand, the complement: COL9A1 is on the minus strand). VCF-style: chr6-70234798-G-T. GRCh37 (hg19) VCF-style: chr6-70944501-G-T.
Other names: c.1556C>A, p.Pro519His (NM_001377289.1); c.1526C>A, p.Pro509His (NM_078485.4); c.1384-205C>A (NM_001377290.1); short protein forms P509H, P752H, P519H.
Identifiers: ClinVar variation 2094124 (VCV002094124.4), dbSNP rs2483192953, ClinGen allele CA364673002.
Genomic context (GRCh38, chr6:70,234,798, plus strand): 5'-TGCTGCTGTGGGATGGAGTCTCCAAAGGGAAACCACAGAAGCTGCCCACCACTCACCGGA[G>T]GGCCCTGGACACCAGGCAGGCCGGTGGCACCCTGTTCTCCCTGCACACCCCGGGGTCCAG-3'
Protein context (NP_001842.3, residues 742-762): GATGLPGVQG[Pro752His]PGRAPTDQHI

ClinVar aggregate classification (germline): Uncertain significance (1 of 4 stars; one submission).

Submission:

Labcorp Genetics (formerly Invitae), Labcorp
Classification: Uncertain significance. Last evaluated: 2022-07-15. Review status: criteria provided, single submitter. Criteria: Invitae Variant Classification Sherloc (09022015). Collection method: clinical testing. Allele origin: germline.
Comment: This sequence change replaces proline, which is neutral and non-polar, with histidine, which is basic and polar, at codon 752 of the COL9A1 protein (p.Pro752His). This variant is not present in population databases (gnomAD no frequency). This variant has not been reported in the literature in individuals affected with COL9A1-related conditions. Advanced modeling of protein sequence and biophysical properties (such as structural, functional, and spatial information, amino acid conservation, physicochemical variation, residue mobility, and thermodynamic stability) performed at Invitae indicates that this missense variant is not expected to disrupt COL9A1 protein function. In summary, the available evidence is currently insufficient to determine the role of this variant in disease. Therefore, it has been classified as a Variant of Uncertain Significance.